The following is an entry in ClinVar:

NM_001365276.2(TNXB):c.2265G>A (p.Met755Ile)

Gene: TNXB (tenascin XB; minus strand). Cytogenetic location: 6p21.33.
Variant type: single nucleotide variant.
Coding change: c.2265G>A on transcript NM_001365276.2 (MANE Select); coding-DNA position 2265, G replaced by A.
Protein change: p.Met755Ile; replaces methionine 755 with isoleucine.
Molecular consequence: missense variant.
Genome position (GRCh38, 1-based): chr6:32,095,169, C>T on the plus strand (G>A on the coding strand, the complement: TNXB is on the minus strand). VCF-style: chr6-32095169-C-T. GRCh37 (hg19) VCF-style: chr6-32062946-C-T.
Other names: c.2265G>A, p.Met755Ile (NM_001428335.1, NM_019105.8); short protein forms M755I.
Identifiers: ClinVar variation 3971989 (VCV003971989.1).

ClinVar aggregate classification (germline): Uncertain significance (1 of 4 stars; one submission).

Conditions:
Cardiovascular phenotype. Identifiers: MedGen CN230736.

gnomAD v4.1: 5 of 1,550,160 alleles (0.00032%); highest among the groups gnomAD compares: Non-Finnish European, 0.00044%; no homozygotes.

Submission:

Ambry Genetics
Classification: Uncertain significance for Cardiovascular phenotype. Last evaluated: 2025-04-07. Review status: criteria provided, single submitter. Criteria: Ambry Variant Classification Scheme 2023. Collection method: clinical testing. Allele origin: germline.
Comment: The p.M755I variant (also known as c.2265G>A), located in coding exon 3 of the TNXB gene, results from a G to A substitution at nucleotide position 2265. The methionine at codon 755 is replaced by isoleucine, an amino acid with highly similar properties. This amino acid position is conserved. In addition, this alteration is predicted to be tolerated by in silico analysis. Based on the available evidence, the clinical significance of this variant remains unclear.